The following is an entry in ClinVar:

NM_198252.3(GSN):c.682G>T (p.Ala228Ser)

Gene: GSN (gelsolin; plus strand). Cytogenetic location: 9q33.2.
Variant type: single nucleotide variant.
Coding change: c.682G>T on transcript NM_198252.3 (MANE Select); coding-DNA position 682, G replaced by T.
Protein change: p.Ala228Ser; replaces alanine 228 with serine.
Molecular consequence: missense variant.
Genome position (GRCh38, 1-based): chr9:121,313,952, G>T. VCF-style: chr9-121313952-G-T. GRCh37 (hg19) VCF-style: chr9-124076230-G-T.
Other names: c.715G>T, p.Ala239Ser (NM_001353069.2, NM_001353070.2, NM_001353071.2 and 13 more transcripts); c.835G>T, p.Ala279Ser (NM_000177.5); c.682G>T, p.Ala228Ser (NM_001127662.2, NM_001127664.2, NM_001127665.2 and 10 more transcripts); c.790G>T, p.Ala264Ser (NM_001127663.2); c.733G>T, p.Ala245Ser (NM_001258029.2); c.706G>T, p.Ala236Ser (NM_001258030.2); c.754G>T, p.Ala252Ser (NM_001353076.2); c.28G>T, p.Ala10Ser (NM_001353078.2); short protein forms A228S, A239S, A279S, A10S, A236S, A252S, A264S, A245S.
Identifiers: ClinVar variation 3699554 (VCV003699554.2).

ClinVar aggregate classification (germline): Uncertain significance (1 of 4 stars; one submission).

gnomAD v4.1: 3 of 1,614,058 alleles (0.00019%); highest among the groups gnomAD compares: Non-Finnish European, 0.00025%; no homozygotes.

Submission:

Labcorp Genetics (formerly Invitae), Labcorp
Classification: Uncertain significance. Last evaluated: 2024-08-24. Review status: criteria provided, single submitter. Criteria: Invitae Variant Classification Sherloc (09022015). Collection method: clinical testing. Allele origin: germline.
Comment: This sequence change replaces alanine, which is neutral and non-polar, with serine, which is neutral and polar, at codon 279 of the GSN protein (p.Ala279Ser). This variant is not present in population databases (gnomAD no frequency). This variant has not been reported in the literature in individuals affected with GSN-related conditions. Invitae Evidence Modeling of protein sequence and biophysical properties (such as structural, functional, and spatial information, amino acid conservation, physicochemical variation, residue mobility, and thermodynamic stability) indicates that this missense variant is not expected to disrupt GSN protein function with a negative predictive value of 80%. In summary, the available evidence is currently insufficient to determine the role of this variant in disease. Therefore, it has been classified as a Variant of Uncertain Significance.